The following is an entry in ClinVar:

NM_000271.5(NPC1):c.2198C>T (p.Pro733Leu)

Gene: NPC1 (NPC intracellular cholesterol transporter 1; minus strand). Cytogenetic location: 18q11.2.
Variant type: single nucleotide variant.
Coding change: c.2198C>T on transcript NM_000271.5 (MANE Select); coding-DNA position 2198, C replaced by T.
Protein change: p.Pro733Leu; replaces proline 733 with leucine.
Molecular consequence: missense variant.
Genome position (GRCh38, 1-based): chr18:23,543,502, G>A on the plus strand (C>T on the coding strand, the complement: NPC1 is on the minus strand). VCF-style: chr18-23543502-G-A. GRCh37 (hg19) VCF-style: chr18-21123466-G-A.
Other names: short protein forms P733L.
Identifiers: ClinVar variation 2191725 (VCV002191725.1), dbSNP rs2511229791, ClinGen allele CA401770824.
Genomic context (GRCh38, chr18:23,543,502, plus strand): 5'-AAAGCATAATTACCTAAGAAAAATGCTACAGTCTCAGAAAAGGATGACAGGAACATACTG[G>A]GAGCCACTTCTCCTAGGACCCTGCCCAGCTGCTGATCCAGGGTTTCCCCTTGAAGACGTT-3'
Protein context (NP_000262.2, residues 723-743): QLGRVLGEVA[Pro733Leu]SMFLSSFSET

ClinVar aggregate classification (germline): Uncertain significance (1 of 4 stars; one submission).

Conditions:
Niemann-Pick disease, type C1. Also called: NIEMANN-PICK DISEASE, VARIANT TYPE C1; NEUROVISCERAL STORAGE DISEASE WITH VERTICAL SUPRANUCLEAR OPHTHALMOPLEGIA; NIEMANN-PICK DISEASE WITH CHOLESTEROL ESTERIFICATION BLOCK; NIEMANN-PICK DISEASE WITHOUT SPHINGOMYELINASE DEFICIENCY; NIEMANN-PICK DISEASE, CHRONIC NEURONOPATHIC FORM. Identifiers: Orphanet 646, MedGen C3179455, MONDO:0009757, OMIM 257220.

Submission:

Labcorp Genetics (formerly Invitae), Labcorp
Classification: Uncertain significance for Niemann-Pick disease, type C1. Last evaluated: 2022-08-16. Review status: criteria provided, single submitter. Criteria: Invitae Variant Classification Sherloc (09022015). Collection method: clinical testing. Allele origin: germline.
Comment: This sequence change replaces proline, which is neutral and non-polar, with leucine, which is neutral and non-polar, at codon 733 of the NPC1 protein (p.Pro733Leu). This variant is not present in population databases (gnomAD no frequency). This variant has not been reported in the literature in individuals affected with NPC1-related conditions. Advanced modeling of protein sequence and biophysical properties (such as structural, functional, and spatial information, amino acid conservation, physicochemical variation, residue mobility, and thermodynamic stability) performed at Invitae indicates that this missense variant is expected to disrupt NPC1 protein function. In summary, the available evidence is currently insufficient to determine the role of this variant in disease. Therefore, it has been classified as a Variant of Uncertain Significance.